The following is an entry in ClinVar:

NM_001005361.3(DNM2):c.683G>C (p.Arg228Thr)

Gene: DNM2 (dynamin 2; plus strand). Cytogenetic location: 19p13.2.
Variant type: single nucleotide variant.
Coding change: c.683G>C on transcript NM_001005361.3 (MANE Select); coding-DNA position 683, G replaced by C.
Protein change: p.Arg228Thr; replaces arginine 228 with threonine.
Molecular consequence: missense variant.
Genome position (GRCh38, 1-based): chr19:10,777,211, G>C. VCF-style: chr19-10777211-G-C. GRCh37 (hg19) VCF-style: chr19-10887887-G-C.
Other names: c.683G>C, p.Arg228Thr (NM_001005360.3, NM_001005362.3, NM_001190716.2 and 1 more transcripts); short protein forms R228T.
Identifiers: ClinVar variation 4709767 (VCV004709767.1).

ClinVar aggregate classification (germline): Uncertain significance (1 of 4 stars; one submission).

Conditions:
Charcot-Marie-Tooth disease dominant intermediate B (CMTDIB). Also called: Charcot-Marie-Tooth disease dominant intermediate 1; CMT DI1; Charcot-Marie-Tooth disease dominant intermediate I; CHARCOT-MARIE-TOOTH NEUROPATHY, DOMINANT INTERMEDIATE B. Identifiers: Orphanet 100044, Orphanet 228179, MedGen C1847902, MONDO:0011674, OMIM 606482.

gnomAD v4.1: 1 of 1,614,180 alleles (0.000062%); highest among the groups gnomAD compares: Non-Finnish European, 0.000085%; no homozygotes.

Submission:

Labcorp Genetics (formerly Invitae), Labcorp
Classification: Uncertain significance for Charcot-Marie-Tooth disease dominant intermediate B. Last evaluated: 2025-10-06. Review status: criteria provided, single submitter. Criteria: Invitae Variant Classification Sherloc (09022015). Collection method: clinical testing. Allele origin: germline.
Comment: This sequence change replaces arginine, which is basic and polar, with threonine, which is neutral and polar, at codon 228 of the DNM2 protein (p.Arg228Thr). This variant is not present in population databases (gnomAD no frequency). This variant has not been reported in the literature in individuals affected with DNM2-related conditions. Invitae Evidence Modeling of protein sequence and biophysical properties (such as structural, functional, and spatial information, amino acid conservation, physicochemical variation, residue mobility, and thermodynamic stability) indicates that this missense variant is expected to disrupt DNM2 protein function with a positive predictive value of 80%. In summary, the available evidence is currently insufficient to determine the role of this variant in disease. Therefore, it has been classified as a Variant of Uncertain Significance.